The following is an entry in ClinVar:

NM_024675.4(PALB2):c.2679T>C (p.Asp893=)

Gene: PALB2 (partner and localizer of BRCA2; minus strand). Cytogenetic location: 16p12.2.
Variant type: single nucleotide variant.
Coding change: c.2679T>C on transcript NM_024675.4 (MANE Select); coding-DNA position 2679, T replaced by C.
Protein change: p.Asp893=; no amino-acid change (aspartic acid 893 retained).
Molecular consequence: synonymous variant.
Genome position (GRCh38, 1-based): chr16:23,626,305, A>G on the plus strand (T>C on the coding strand, the complement: PALB2 is on the minus strand). VCF-style: chr16-23626305-A-G. GRCh37 (hg19) VCF-style: chr16-23637626-A-G.
Identifiers: ClinVar variation 757941 (VCV000757941.15), dbSNP rs1597085114, ClinGen allele CA494161251.

ClinVar aggregate classification (germline): Benign/Likely benign. Review status: criteria provided, multiple submitters, no conflicts (2 of 4 stars). 3 submissions from 3 submitters: Benign (1); Likely benign (2). Last evaluated 2025-01-17.

Conditions:
Hereditary cancer-predisposing syndrome. Also called: Hereditary Cancer Syndrome; Hereditary neoplastic syndrome; Neoplastic Syndromes, Hereditary; Tumor predisposition. Identifiers: Orphanet 140162, MedGen C0027672, MeSH D009386, MONDO:0015356.
Familial cancer of breast. Also called: hereditary breast carcinoma; BREAST CANCER, FAMILIAL; Hereditary breast cancer. Identifiers: Orphanet 227535, MedGen C0346153, MONDO:0016419, OMIM 114480. Disease mechanism: loss of function.

Submissions (3):

Myriad Genetics, Inc.
Classification: Benign for Familial cancer of breast. Last evaluated: 2025-01-17. Review status: criteria provided, single submitter. Criteria: Myriad Autosomal Dominant, Autosomal Recessive and X-Linked Classification Criteria (2023). Collection method: clinical testing. Allele origin: unknown.
Comment: This variant is considered benign. This variant is a silent/synonymous amino acid change and it is not expected to impact splicing.

Ambry Genetics
Classification: Likely benign for Hereditary cancer-predisposing syndrome. Last evaluated: 2022-01-15. Review status: criteria provided, single submitter. Criteria: Ambry Variant Classification Scheme 2023. Collection method: clinical testing. Allele origin: germline.

Labcorp Genetics (formerly Invitae), Labcorp
Classification: Likely benign for Familial cancer of breast. Last evaluated: 2019-09-30. Review status: criteria provided, single submitter. Criteria: Invitae Variant Classification Sherloc (09022015). Collection method: clinical testing. Allele origin: germline.